The following is an entry in ClinVar:

NM_001042492.3(NF1):c.3042del (p.Lys1014fs)

Gene: NF1 (neurofibromin 1; plus strand). Cytogenetic location: 17q11.2.
Variant type: Deletion.
Coding change: c.3042del on transcript NM_001042492.3 (MANE Select); coding-DNA position 3042, one base deleted (A; older notation c.3042delA).
Protein change: p.Lys1014fs; shifts the reading frame from lysine 1014.
Molecular consequence: frameshift variant.
Genome position (GRCh38, 1-based): chr17:31,230,311, A deleted; the last of 3 consecutive A bases (chr17:31,230,309-31,230,311); deleting any one gives the same sequence. VCF-style (leftmost placement, unchanged base first): chr17-31230308-GA-G. GRCh37 (hg19) VCF-style: chr17-29557326-GA-G.
Other names: c.3042delA, p.Lys1014Asnfs (NM_000267.4); short protein forms K1014fs.
Identifiers: ClinVar variation 3722645 (VCV003722645.2).

ClinVar aggregate classification (germline): Pathogenic (1 of 4 stars; one submission).

Conditions:
Neurofibromatosis, type 1 (NF1). Also called: VON RECKLINGHAUSEN DISEASE; NEUROFIBROMATOSIS, TYPE I, SOMATIC; Peripheral type neurofibromatosis; Neurofibromatosis, type I. Identifiers: Orphanet 636, MedGen C0027831, MONDO:0018975, OMIM 162200. Disease mechanism: loss of function.

Submission:

Labcorp Genetics (formerly Invitae), Labcorp
Classification: Pathogenic for Neurofibromatosis, type 1. Last evaluated: 2025-02-15. Review status: criteria provided, single submitter. Criteria: Invitae Variant Classification Sherloc (09022015). Collection method: clinical testing. Allele origin: germline.
Comment: This sequence change creates a premature translational stop signal (p.Lys1014Asnfs*5) in the NF1 gene. It is expected to result in an absent or disrupted protein product. Loss-of-function variants in NF1 are known to be pathogenic (PMID: 10712197, 23913538). This variant is not present in population databases (gnomAD no frequency). This premature translational stop signal has been observed in individual(s) with neurofibromatosis, type 1 (PMID: 25541118). For these reasons, this variant has been classified as Pathogenic.

Literature cited by the submitters: PubMed 10712197; PubMed 23913538; PubMed 25541118.